The following is an entry in ClinVar:

ClinVar aggregate classification (germline): Uncertain significance (1 of 4 stars; one submission).

Conditions:
Familial adenomatous polyposis 2. Also called: MYH-associated polyposis; Adenomas, multiple colorectal; COLORECTAL ADENOMATOUS POLYPOSIS, AUTOSOMAL RECESSIVE; ADENOMAS, MULTIPLE COLORECTAL, AUTOSOMAL RECESSIVE; FAP type 2; MUTYH Polyposis. Identifiers: Orphanet 220460, Orphanet 247798, MedGen C3272841, MONDO:0012041, OMIM 608456.

Submission:

Labcorp Genetics (formerly Invitae), Labcorp
Classification: Uncertain significance for Familial adenomatous polyposis 2. Last evaluated: 2020-11-07. Review status: criteria provided, single submitter. Criteria: Invitae Variant Classification Sherloc (09022015). Collection method: clinical testing. Allele origin: germline.
Comment: In summary, the available evidence is currently insufficient to determine the role of this variant in disease. Therefore, it has been classified as a Variant of Uncertain Significance. Nucleotide substitutions within the consensus splice site are a relatively common cause of aberrant splicing (PMID: 17576681, 9536098). Algorithms developed to predict the effect of sequence changes on RNA splicing suggest that this variant may disrupt the consensus splice site, but this prediction has not been confirmed by published transcriptional studies. This variant has not been reported in the literature in individuals with MUTYH-related conditions. This variant is not present in population databases (ExAC no frequency). This sequence change falls in intron 13 of the MUTYH gene. It does not directly change the encoded amino acid sequence of the MUTYH protein. It affects a nucleotide within the consensus splice site of the intron.

Literature cited by the submitters: PubMed 17576681; PubMed 9536098.

NM_001048174.2(MUTYH):c.1239+4dup

Gene: MUTYH (mutY DNA glycosylase; minus strand). Cytogenetic location: 1p34.1.
Variant type: Duplication.
Coding change: c.1239+4dup on transcript NM_001048174.2 (MANE Select); 4 bases into the intron after coding-DNA position 1239, one base duplicated (A; older notation c.1239+4dupA).
Molecular consequence: intron variant.
Genome position (GRCh38, 1-based): chr1:45,331,416, T duplicated on the plus strand (A on the coding strand, the reverse complement: MUTYH is on the minus strand); the first of 2 consecutive T bases (chr1:45,331,416-45,331,417); duplicating either gives the same sequence. VCF-style (leftmost placement, unchanged base first): chr1-45331415-C-CT. GRCh37 (hg19) VCF-style: chr1-45797087-C-CT.
Other names: c.894+4dup (NM_001350651.2, NM_001350650.2); c.963+4dup (NM_001293192.2, NM_001293196.2); c.1239+4dup (NM_001048171.2, NM_001048173.2, NM_001293195.2); c.1284+4dup (NM_001293190.2); c.1314+4dup (NM_012222.3); c.1323+4dup (NM_001128425.2); c.1242+4dup (NM_001048172.2); c.1272+4dup (NM_001293191.2).
Identifiers: ClinVar variation 1487587 (VCV001487587.6), dbSNP rs2149116805, ClinGen allele CA2573132037.